The following is an entry in ClinVar:

NM_004655.4(AXIN2):c.1670G>T (p.Ser557Ile)

Gene: AXIN2 (axin 2; minus strand). Cytogenetic location: 17q24.1.
Variant type: single nucleotide variant.
Coding change: c.1670G>T on transcript NM_004655.4 (MANE Select); coding-DNA position 1670, G replaced by T.
Protein change: p.Ser557Ile; replaces serine 557 with isoleucine.
Molecular consequence: missense variant.
Genome position (GRCh38, 1-based): chr17:65,537,366, C>A on the plus strand (G>T on the coding strand, the complement: AXIN2 is on the minus strand). VCF-style: chr17-65537366-C-A. GRCh37 (hg19) VCF-style: chr17-63533484-C-A.
Other names: c.1670G>T, p.Ser557Ile (NM_001363813.1); short protein forms S557I.
Identifiers: ClinVar variation 955531 (VCV000955531.9), dbSNP rs2043945600, ClinGen allele CA400676872.

ClinVar aggregate classification (germline): Uncertain significance (1 of 4 stars; one submission).

Conditions:
Oligodontia-cancer predisposition syndrome. Also called: TOOTH AGENESIS-COLORECTAL CANCER SYNDROME. Identifiers: Orphanet 300576, MedGen C1837750, MONDO:0012075, OMIM 608615. Disease mechanism: loss of function.

gnomAD v4.1: 6 of 1,614,138 alleles (0.00037%); highest among the groups gnomAD compares: Non-Finnish European, 0.00051%; no homozygotes.

Submission:

Labcorp Genetics (formerly Invitae), Labcorp
Classification: Uncertain significance for Oligodontia-cancer predisposition syndrome. Last evaluated: 2025-06-29. Review status: criteria provided, single submitter. Criteria: Invitae Variant Classification Sherloc (09022015). Collection method: clinical testing. Allele origin: germline.
Comment: This sequence change replaces serine, which is neutral and polar, with isoleucine, which is neutral and non-polar, at codon 557 of the AXIN2 protein (p.Ser557Ile). This variant is not present in population databases (gnomAD no frequency). This variant has not been reported in the literature in individuals affected with AXIN2-related conditions. ClinVar contains an entry for this variant (Variation ID: 955531). Invitae Evidence Modeling of protein sequence and biophysical properties (such as structural, functional, and spatial information, amino acid conservation, physicochemical variation, residue mobility, and thermodynamic stability) indicates that this missense variant is not expected to disrupt AXIN2 protein function with a negative predictive value of 80%. In summary, the available evidence is currently insufficient to determine the role of this variant in disease. Therefore, it has been classified as a Variant of Uncertain Significance.